The following is an entry in ClinVar:

NM_006947.4(SRP72):c.1760G>A (p.Arg587Gln)

Gene: SRP72 (signal recognition particle 72; plus strand). Cytogenetic location: 4q12.
Variant type: single nucleotide variant.
Coding change: c.1760G>A on transcript NM_006947.4 (MANE Select); coding-DNA position 1760, G replaced by A.
Protein change: p.Arg587Gln; replaces arginine 587 with glutamine.
Molecular consequence: missense variant. On other transcripts: non-coding transcript variant (1).
Genome position (GRCh38, 1-based): chr4:56,500,617, G>A. VCF-style: chr4-56500617-G-A. GRCh37 (hg19) VCF-style: chr4-57366783-G-A.
Other names: c.1577G>A, p.Arg526Gln (NM_001267722.2); short protein forms R526Q, R587Q.
Identifiers: ClinVar variation 3364714 (VCV003364714.3).
Genomic context (GRCh38, chr4:56,500,617, plus strand): 5'-ACCCAAAAGTTACCCCAGATCCAGAAAGATGGCTGCCAATGCGAGAACGTTCTTACTACC[G>A]GGGAAGAAAGAAGGGTAAAAAGAAGGATCAGATTGGAAAAGGGACCCAGGGAGCAACTGC-3'
Protein context (NP_008878.3, residues 577-597): WLPMRERSYY[Arg587Gln]GRKKGKKKDQ

ClinVar aggregate classification (germline): Uncertain significance. Review status: criteria provided, multiple submitters, no conflicts (2 of 4 stars). 3 submissions from 3 submitters: Uncertain significance (3). Last evaluated 2025-08-19.

gnomAD v4.1: 12 of 1,613,792 alleles (0.00074%); highest among the groups gnomAD compares: Non-Finnish European, 0.00059%; no homozygotes.

Submissions (3):

Labcorp Genetics (formerly Invitae), Labcorp
Classification: Uncertain significance. Last evaluated: 2025-08-19. Review status: criteria provided, single submitter. Criteria: Invitae Variant Classification Sherloc (09022015). Collection method: clinical testing. Allele origin: germline.
Comment: This sequence change replaces arginine, which is basic and polar, with glutamine, which is neutral and polar, at codon 587 of the SRP72 protein (p.Arg587Gln). This variant is present in population databases (no rsID available, gnomAD 0.0009%). This variant has not been reported in the literature in individuals affected with SRP72-related conditions. ClinVar contains an entry for this variant (Variation ID: 3364714). Invitae Evidence Modeling of protein sequence and biophysical properties (such as structural, functional, and spatial information, amino acid conservation, physicochemical variation, residue mobility, and thermodynamic stability) indicates that this missense variant is expected to disrupt SRP72 protein function with a positive predictive value of 80%. In summary, the available evidence is currently insufficient to determine the role of this variant in disease. Therefore, it has been classified as a Variant of Uncertain Significance.

Ambry Genetics
Classification: Uncertain significance. Last evaluated: 2024-12-02. Review status: criteria provided, single submitter. Criteria: Ambry Variant Classification Scheme 2023. Collection method: clinical testing. Allele origin: germline.
Comment: The p.R587Q variant (also known as c.1760G>A), located in coding exon 18 of the SRP72 gene, results from a G to A substitution at nucleotide position 1760. The arginine at codon 587 is replaced by glutamine, an amino acid with highly similar properties. This amino acid position is conserved. In addition, this alteration is predicted to be deleterious by in silico analysis. Based on the available evidence, the clinical significance of this variant remains unclear.

GeneDx
Classification: Uncertain significance. Last evaluated: 2023-11-21. Review status: criteria provided, single submitter. Criteria: GeneDx Variant Classification Process June 2021. Collection method: clinical testing. Allele origin: germline. Affected: yes.
Comment: Not observed at significant frequency in large population cohorts (gnomAD); In silico analysis supports that this missense variant has a deleterious effect on protein structure/function; Has not been previously published as pathogenic or benign to our knowledge; This variant is associated with the following publications: (PMID: 21073748)